The following is an entry in ClinVar:

NM_001375524.1(TRRAP):c.8399A>T (p.Tyr2800Phe)

Gene: TRRAP (transformation/transcription domain associated protein; plus strand). Cytogenetic location: 7q22.1.
Variant type: single nucleotide variant.
Coding change: c.8399A>T on transcript NM_001375524.1 (MANE Select); coding-DNA position 8399, A replaced by T.
Protein change: p.Tyr2800Phe; replaces tyrosine 2800 with phenylalanine.
Molecular consequence: missense variant.
Genome position (GRCh38, 1-based): chr7:98,978,224, A>T. VCF-style: chr7-98978224-A-T. GRCh37 (hg19) VCF-style: chr7-98575847-A-T.
Other names: c.8378A>T, p.Tyr2793Phe (NM_001244580.2); c.8324A>T, p.Tyr2775Phe (NM_003496.4); short protein forms Y2775F, Y2800F, Y2793F.
Identifiers: ClinVar variation 2783842 (VCV002783842.3), dbSNP rs777409249, ClinGen allele CA163075574.

ClinVar aggregate classification (germline): Uncertain significance (1 of 4 stars; one submission).

gnomAD v4.1: 2 of 1,613,522 alleles (0.00012%); highest among the groups gnomAD compares: African/African-American, 0.0027%; no homozygotes.

Submission:

Labcorp Genetics (formerly Invitae), Labcorp
Classification: Uncertain significance. Last evaluated: 2022-12-30. Review status: criteria provided, single submitter. Criteria: Invitae Variant Classification Sherloc (09022015). Collection method: clinical testing. Allele origin: germline.
Comment: In summary, the available evidence is currently insufficient to determine the role of this variant in disease. Therefore, it has been classified as a Variant of Uncertain Significance. Advanced modeling of protein sequence and biophysical properties (such as structural, functional, and spatial information, amino acid conservation, physicochemical variation, residue mobility, and thermodynamic stability) performed at Invitae indicates that this missense variant is not expected to disrupt TRRAP protein function. This variant has not been reported in the literature in individuals affected with TRRAP-related conditions. This variant is present in population databases (no rsID available, gnomAD 0.01%). This sequence change replaces tyrosine, which is neutral and polar, with phenylalanine, which is neutral and non-polar, at codon 2775 of the TRRAP protein (p.Tyr2775Phe).